The following is an entry in ClinVar:

ClinVar aggregate classification (germline): Uncertain significance (1 of 4 stars; one submission).

Conditions:
Neurofibromatosis, type 1 (NF1). Also called: NEUROFIBROMATOSIS, TYPE I, SOMATIC; VON RECKLINGHAUSEN DISEASE; Peripheral type neurofibromatosis; Neurofibromatosis, type I. Identifiers: Orphanet 636, MedGen C0027831, MONDO:0018975, OMIM 162200. Disease mechanism: loss of function.

Submission:

Labcorp Genetics (formerly Invitae), Labcorp
Classification: Uncertain significance for Neurofibromatosis, type 1. Last evaluated: 2021-12-26. Review status: criteria provided, single submitter. Criteria: Invitae Variant Classification Sherloc (09022015). Collection method: clinical testing. Allele origin: germline.
Comment: In summary, the available evidence is currently insufficient to determine the role of this variant in disease. Therefore, it has been classified as a Variant of Uncertain Significance. Advanced modeling of protein sequence and biophysical properties (such as structural, functional, and spatial information, amino acid conservation, physicochemical variation, residue mobility, and thermodynamic stability) performed at Invitae indicates that this missense variant is not expected to disrupt NF1 protein function. This variant has not been reported in the literature in individuals affected with NF1-related conditions. This variant is not present in population databases (gnomAD no frequency). This sequence change replaces histidine, which is basic and polar, with glutamine, which is neutral and polar, at codon 2402 of the NF1 protein (p.His2402Gln).

NM_001042492.3(NF1):c.7269C>A (p.His2423Gln)

Gene: NF1 (neurofibromin 1; plus strand). Cytogenetic location: 17q11.2.
Variant type: single nucleotide variant.
Coding change: c.7269C>A on transcript NM_001042492.3 (MANE Select); coding-DNA position 7269, C replaced by A.
Protein change: p.His2423Gln; replaces histidine 2423 with glutamine.
Molecular consequence: missense variant.
Genome position (GRCh38, 1-based): chr17:31,349,199, C>A. VCF-style: chr17-31349199-C-A. GRCh37 (hg19) VCF-style: chr17-29676217-C-A.
Other names: c.7206C>A, p.His2402Gln (NM_000267.4); short protein forms H2402Q, H2423Q.
Identifiers: ClinVar variation 2061292 (VCV002061292.4), dbSNP rs2151572773, ClinGen allele CA399016812.